The following is an entry in ClinVar:

NM_001160372.4(TRAPPC9):c.1348A>G (p.Arg450Gly)

Gene: TRAPPC9 (trafficking protein particle complex subunit 9; minus strand). Cytogenetic location: 8q24.3.
Variant type: single nucleotide variant.
Coding change: c.1348A>G on transcript NM_001160372.4 (MANE Select); coding-DNA position 1348, A replaced by G.
Protein change: p.Arg450Gly; replaces arginine 450 with glycine.
Molecular consequence: missense variant. On other transcripts: non-coding transcript variant (1).
Genome position (GRCh38, 1-based): chr8:140,370,967, T>C on the plus strand (A>G on the coding strand, the complement: TRAPPC9 is on the minus strand). VCF-style: chr8-140370967-T-C. GRCh37 (hg19) VCF-style: chr8-141381066-T-C.
Other names: c.1321A>G, p.Arg441Gly (NM_001321646.2); c.1369A>G, p.Arg457Gly (NM_001374682.1); c.1348A>G, p.Arg450Gly (NM_001374683.1, NM_001374684.1, NM_031466.8); short protein forms R450G, R457G, R441G.
Identifiers: ClinVar variation 2077165 (VCV002077165.4), dbSNP rs2540082831, ClinGen allele CA372316758.

ClinVar aggregate classification (germline): Uncertain significance (1 of 4 stars; one submission).

Submission:

Labcorp Genetics (formerly Invitae), Labcorp
Classification: Uncertain significance. Last evaluated: 2025-03-17. Review status: criteria provided, single submitter. Criteria: Invitae Variant Classification Sherloc (09022015). Collection method: clinical testing. Allele origin: germline.
Comment: This sequence change replaces arginine, which is basic and polar, with glycine, which is neutral and non-polar, at codon 548 of the TRAPPC9 protein (p.Arg548Gly). This variant is not present in population databases (gnomAD no frequency). This variant has not been reported in the literature in individuals affected with TRAPPC9-related conditions. ClinVar contains an entry for this variant (Variation ID: 2077165). An algorithm developed to predict the effect of missense changes on protein structure and function (PolyPhen-2) suggests that this variant is likely to be tolerated. In summary, the available evidence is currently insufficient to determine the role of this variant in disease. Therefore, it has been classified as a Variant of Uncertain Significance.